The following is an entry in ClinVar:

NM_002709.3(PPP1CB):c.47dup (p.Glu17fs)

Gene: PPP1CB (protein phosphatase 1 catalytic subunit beta; plus strand). Cytogenetic location: 2p23.2.
Variant type: Duplication.
Coding change: c.47dup on transcript NM_002709.3 (MANE Select); coding-DNA position 47, one base duplicated (T; older notation c.47dupT).
Protein change: p.Glu17fs; shifts the reading frame from glutamic acid 17.
Molecular consequence: frameshift variant.
Genome position (GRCh38, 1-based): chr2:28,752,171, T duplicated. VCF-style (leftmost placement, unchanged base first): chr2-28752170-C-CT. GRCh37 (hg19) VCF-style: chr2-28975036-C-CT.
Other names: c.47dup, p.Glu17fs (NM_206876.2); short protein forms E17fs.
Identifiers: ClinVar variation 5010120 (VCV005010120.1).
Genomic context (GRCh38, chr2:28,752,170, plus strand): 5'-GTCTGTGCCGACAAGATGGCGGACGGGGAGCTGAACGTGGACAGCCTCATCACCCGGCTG[C>CT]TGGAGGGTGAGTGCGCGCCTGGCCGCGGGACAGAGGGAGGTCGGGCACCGCCGCCGACCC-3'

ClinVar aggregate classification (germline): Uncertain significance (1 of 4 stars; one submission).

Submission:

GeneDx
Classification: Uncertain significance. Last evaluated: 2026-03-04. Review status: criteria provided, single submitter. Criteria: GeneDx Variant Classification Process June 2021. Collection method: clinical testing. Allele origin: germline.
Comment: Not observed at significant frequency in large population cohorts (gnomAD); Has not been previously published as pathogenic or benign to our knowledge; Frameshift variant predicted to result in protein truncation or nonsense mediated decay in a gene for which loss of function is not an established mechanism of disease